The following is an entry in ClinVar:

NM_001386298.1(CIC):c.2363del (p.Pro788fs)

Gene: CIC (capicua transcriptional repressor; plus strand). Cytogenetic location: 19q13.2.
Variant type: Deletion.
Coding change: c.2363del on transcript NM_001386298.1 (MANE Select); coding-DNA position 2363, one base deleted (C; older notation c.2363delC).
Protein change: p.Pro788fs; shifts the reading frame from proline 788.
Molecular consequence: frameshift variant.
Genome position (GRCh38, 1-based): chr19:42,274,146, C deleted; the last of 5 consecutive C bases (chr19:42,274,142-42,274,146); deleting any one gives the same sequence. VCF-style (leftmost placement, unchanged base first): chr19-42274141-AC-A. GRCh37 (hg19) VCF-style: chr19-42778293-AC-A.
Other names: c.2363del, p.Pro788fs (NM_001304815.2, NM_001379480.1, NM_001379482.1); c.2363delC, p.Pro788Leufs (NM_001379483.1); short protein forms P788fs.
Identifiers: ClinVar variation 3068400 (VCV003068400.2), dbSNP rs2513612309, ClinGen allele CA2585408641.

ClinVar aggregate classification (germline): Pathogenic/Likely pathogenic. Review status: criteria provided, multiple submitters, no conflicts (2 of 4 stars). 2 submissions from 2 submitters: Pathogenic (1); Likely pathogenic (1). Last evaluated 2025-04-15.

Conditions:
Intellectual developmental disorder, autosomal dominant 45. Also called: MENTAL RETARDATION, AUTOSOMAL DOMINANT 45; Intellectual disability, autosomal dominant 45. Identifiers: MedGen C4539848, MONDO:0030910, OMIM 617600.

Submissions (2):

Institute of Human Genetics, University of Leipzig Medical Center
Classification: Pathogenic for Intellectual developmental disorder, autosomal dominant 45. Last evaluated: 2025-04-15. Review status: criteria provided, single submitter. Criteria: ACMG Guidelines, 2015. Collection method: clinical testing. Allele origin: unknown. Inheritance: Autosomal dominant inheritance. Affected: yes.
Comment: Criteria applied: PVS1,PS4_SUP,PM2

MVZ Medizinische Genetik Mainz
Classification: Likely pathogenic for Intellectual developmental disorder, autosomal dominant 45. Last evaluated: 2022-03-08. Review status: criteria provided, single submitter. Criteria: UK Practice Guidelines For Variant Classification V4 01 2020. Collection method: clinical testing. Allele origin: germline. Inheritance: Autosomal dominant inheritance. Affected: yes. Observed: 1 variant allele.
Comment: ACMG Criteria: PVS1,PM2_SUP